The following is an entry in ClinVar:

NM_001205293.3(CACNA1E):c.4165C>T (p.Arg1389Ter)

Gene: CACNA1E (calcium voltage-gated channel subunit alpha1 E; plus strand). Cytogenetic location: 1q25.3.
Variant type: single nucleotide variant.
Coding change: c.4165C>T on transcript NM_001205293.3 (MANE Select); coding-DNA position 4165, C replaced by T.
Protein change: p.Arg1389Ter; replaces arginine 1389 with a stop codon.
Molecular consequence: nonsense.
Genome position (GRCh38, 1-based): chr1:181,756,962, C>T. VCF-style: chr1-181756962-C-T. GRCh37 (hg19) VCF-style: chr1-181726098-C-T.
Other names: c.4165C>T, p.Arg1389Ter (NM_000721.4); c.4108C>T, p.Arg1370Ter (NM_001205294.2); short protein forms R1370*, R1389*.
Identifiers: ClinVar variation 1699232 (VCV001699232.5), dbSNP rs2102689215, ClinGen allele CA343624227.

ClinVar aggregate classification (germline): Uncertain significance. Review status: criteria provided, multiple submitters, no conflicts (2 of 4 stars). 2 submissions from 2 submitters: Uncertain significance (2). Last evaluated 2024-10-11.

Conditions:
Developmental and epileptic encephalopathy, 69. Also called: EPILEPTIC ENCEPHALOPATHY, EARLY INFANTILE, 69. Identifiers: MedGen C4748988, MONDO:0032657, OMIM 618285.

Allele frequency attached by ClinVar (database versions not stated): gnomAD exomes below 0.00001.
gnomAD v4.1: 1 of 1,613,734 alleles (0.000062%); highest among the groups gnomAD compares: Non-Finnish European, 0.000085%; no homozygotes.

Submissions (2):

Victorian Clinical Genetics Services, Murdoch Childrens Research Institute
Classification: Uncertain significance for Developmental and epileptic encephalopathy, 69. Last evaluated: 2024-10-11. Review status: criteria provided, single submitter. Criteria: ACMG Guidelines, 2015. Collection method: clinical testing. Allele origin: germline. Inheritance: Autosomal dominant inheritance. Affected: yes.
Comment: Based on the classification scheme VCGS_Germline_v1.1.1, this variant is classified as 3A-VUS. Following criteria are met: 0101 - Gain-of-function is a known mechanism of disease for this gene, however loss-of-function as a disease mechanism remains unclear (PMID: 30343943). (N) 0107 - This gene is known to be associated with autosomal dominant disease. (N) 0201 - Variant is predicted to cause nonsense-mediated decay (NMD) and loss of protein (exon 30 of 48). (P) 0251 - Variant is heterozygous. (N) 0301 - Variant is absent from gnomAD. (P) 0401 - Variant is located in a gene associated with a severe early-onset dominant condition that is intolerant to loss-of-function variants. (P) 0705 - No comparable variants have previous evidence for pathogenicity. (N) 0804 - Variant has previously been described as a variant of uncertain significance (PMID: 30343943, LOVD). (N) 0905 - No segregation evidence has been identified for this variant. (N) 1007 - No published functional evidence has been identified for this variant. (N) Legend: (P) - Pathogenic, (N) - Neutral, (B) - Benign

Institute of Human Genetics, Clinical Exome/Genome Diagnostics Group, University Hospital Bonn
Classification: Uncertain significance for Developmental and epileptic encephalopathy, 69. Last evaluated: 2024-07-22. Review status: criteria provided, single submitter. Criteria: ACMG Guidelines, 2015. Collection method: clinical testing. Allele origin: maternal.

Literature cited by the submitters: PubMed 30343943 (cited by Victorian Clinical Genetics Services, Murdoch Childrens Research Institute).